The following is an entry in ClinVar:

ClinVar aggregate classification (germline): Uncertain significance. Review status: criteria provided, multiple submitters, no conflicts (2 of 4 stars). 2 submissions from 2 submitters: Uncertain significance (2). Last evaluated 2022-03-23.

Conditions:
Autosomal recessive nonsyndromic hearing loss 77. Identifiers: Orphanet 90636, MedGen C2746083, MONDO:0013119, OMIM 613079.

Allele frequency attached by ClinVar (database versions not stated): TOPMed 0.00009; 1000 Genomes Project 30x 0.00016; 1000 Genomes Project 0.00020.
gnomAD v4.1: 65 of 1,551,784 alleles (0.0042%); highest among the groups gnomAD compares: Admixed American, 0.02%; no homozygotes.

Submissions (2):

Mayo Clinic Laboratories, Mayo Clinic
Classification: Uncertain significance. Last evaluated: 2022-03-23. Review status: criteria provided, single submitter. Criteria: ACMG Guidelines, 2015. Collection method: clinical testing. Allele origin: germline. Observed: 1 variant allele.
Comment: PM2_supporting

Illumina Laboratory Services, Illumina
Classification: Uncertain significance for Autosomal recessive nonsyndromic hearing loss 77. Last evaluated: 2018-01-12. Review status: criteria provided, single submitter. Criteria: ICSL Variant Classification Criteria 13 December 2019. Collection method: clinical testing. Allele origin: germline.

NM_001384474.1(LOXHD1):c.197C>T (p.Thr66Met)

Gene: LOXHD1 (lipoxygenase homology PLAT domains 1; minus strand). Cytogenetic location: 18q21.1.
Variant type: single nucleotide variant.
Coding change: c.197C>T on transcript NM_001384474.1 (MANE Select); coding-DNA position 197, C replaced by T.
Protein change: p.Thr66Met; replaces threonine 66 with methionine.
Molecular consequence: missense variant.
Genome position (GRCh38, 1-based): chr18:46,649,203, G>A on the plus strand (C>T on the coding strand, the complement: LOXHD1 is on the minus strand). VCF-style: chr18-46649203-G-A. GRCh37 (hg19) VCF-style: chr18-44229166-G-A.
Other names: p.Thr66Met; c.197C>T, p.Thr66Met (NM_144612.7); short protein forms T66M.
Identifiers: ClinVar variation 890154 (VCV000890154.5), dbSNP rs199536893, ClinGen allele CA8952951.